The following is an entry in ClinVar:

ClinVar aggregate classification (germline): Uncertain significance (1 of 4 stars; one submission).

Submission:

GeneDx
Classification: Uncertain significance. Last evaluated: 2022-06-27. Review status: criteria provided, single submitter. Criteria: GeneDx Variant Classification Process June 2021. Collection method: clinical testing. Allele origin: germline. Affected: yes.
Comment: Not observed at significant frequency in large population cohorts (gnomAD); In silico analysis supports that this missense variant does not alter protein structure/function; Has not been previously published as pathogenic or benign to our knowledge

NM_001206999.2(CIT):c.3698G>A (p.Arg1233Lys)

Gene: CIT (citron rho-interacting serine/threonine kinase; minus strand). Cytogenetic location: 12q24.23.
Variant type: single nucleotide variant.
Coding change: c.3698G>A on transcript NM_001206999.2 (MANE Select); coding-DNA position 3698, G replaced by A.
Protein change: p.Arg1233Lys; replaces arginine 1233 with lysine.
Molecular consequence: missense variant.
Genome position (GRCh38, 1-based): chr12:119,721,343, C>T on the plus strand (G>A on the coding strand, the complement: CIT is on the minus strand). VCF-style: chr12-119721343-C-T. GRCh37 (hg19) VCF-style: chr12-120159148-C-T.
Other names: c.3572G>A, p.Arg1191Lys (NM_007174.3); short protein forms R1191K, R1233K.
Identifiers: ClinVar variation 1810058 (VCV001810058.1), dbSNP rs1957806995, ClinGen allele CA386547861.